The following is an entry in ClinVar:

NM_177438.3(DICER1):c.4816A>C (p.Thr1606Pro)

Gene: DICER1 (dicer 1, ribonuclease III; minus strand). Cytogenetic location: 14q32.13.
Variant type: single nucleotide variant.
Coding change: c.4816A>C on transcript NM_177438.3 (MANE Select); coding-DNA position 4816, A replaced by C.
Protein change: p.Thr1606Pro; replaces threonine 1606 with proline.
Molecular consequence: missense variant. On other transcripts: non-coding transcript variant (6).
Genome position (GRCh38, 1-based): chr14:95,096,104, T>G on the plus strand (A>C on the coding strand, the complement: DICER1 is on the minus strand). VCF-style: chr14-95096104-T-G. GRCh37 (hg19) VCF-style: chr14-95562441-T-G.
Other names: c.4411A>C, p.Thr1471Pro (NM_001395696.1, NM_001395687.1, NM_001395688.1 and 2 more transcripts); c.3133A>C, p.Thr1045Pro (NM_001395697.1); c.4816A>C, p.Thr1606Pro (NM_030621.4, NM_001195573.1, NM_001271282.3 and 12 more transcripts); c.4534A>C, p.Thr1512Pro (NM_001395686.1); c.4249A>C, p.Thr1417Pro (NM_001395691.1); short protein forms T1045P, T1417P, T1606P, T1512P, T1471P.
Identifiers: ClinVar variation 4703492 (VCV004703492.1).
Genomic context (GRCh38, chr14:95,096,104, plus strand): 5'-CAGAAGCAGCAGCACAGCTCACTGAAAGGTTCTTTTGTTGGCTGTTGAAATTCTCCCGAG[T>G]AGGGCACAGGGCCTTTTCCCGATCAGTCCTTTTAATTACCGGGAGCACCTTCAGCCCCAG-3'
Protein context (NP_803187.1, residues 1596-1616): RTDREKALCP[Thr1606Pro]RENFNSQQKN

ClinVar aggregate classification (germline): Uncertain significance (1 of 4 stars; one submission).

Conditions:
DICER1-related tumor predisposition. Also called: DICER1 syndrome; DICER1-related pleuropulmonary blastoma cancer predisposition syndrome. Identifiers: Orphanet 284343, MedGen C3839822, MONDO:0100216.

gnomAD v4.1: 2 of 1,614,178 alleles (0.00012%); highest among the groups gnomAD compares: South Asian, 0.0022%; no homozygotes.

Submission:

Labcorp Genetics (formerly Invitae), Labcorp
Classification: Uncertain significance for DICER1-related tumor predisposition. Last evaluated: 2025-02-07. Review status: criteria provided, single submitter. Criteria: Invitae Variant Classification Sherloc (09022015). Collection method: clinical testing. Allele origin: germline.
Comment: This sequence change replaces threonine, which is neutral and polar, with proline, which is neutral and non-polar, at codon 1606 of the DICER1 protein (p.Thr1606Pro). This variant is not present in population databases (gnomAD no frequency). This variant has not been reported in the literature in individuals affected with DICER1-related conditions. Invitae Evidence Modeling of protein sequence and biophysical properties (such as structural, functional, and spatial information, amino acid conservation, physicochemical variation, residue mobility, and thermodynamic stability) indicates that this missense variant is not expected to disrupt DICER1 protein function with a negative predictive value of 95%. In summary, the available evidence is currently insufficient to determine the role of this variant in disease. Therefore, it has been classified as a Variant of Uncertain Significance.